The following is an entry in ClinVar:

ClinVar aggregate classification (germline): Benign/Likely benign. Review status: criteria provided, multiple submitters, no conflicts (2 of 4 stars). 12 submissions from 12 submitters: Benign (9); Likely benign (1). 2 of the submissions do not count toward it. Last evaluated 2026-02-04.

Conditions:
Primary ciliary dyskinesia. Also called: Ciliary dyskinesia. Identifiers: Orphanet 244, MedGen C0008780, MONDO:0016575, HP:0012265.
Primary ciliary dyskinesia 3. Identifiers: Orphanet 244, MedGen C1837618, MONDO:0012085, OMIM 608644.

Allele frequency attached by ClinVar (database versions not stated): 1000 Genomes Project 0.32468; 1000 Genomes Project 30x 0.32558; ExAC 0.33894; gnomAD exomes 0.33940; gnomAD 0.34761 and 0.35219; TOPMed 0.35356; ESP Exome Variant Server 0.36114.
gnomAD v4.1: 573,942 of 1,612,898 alleles (36%); highest among the groups gnomAD compares: Middle Eastern, 41%; 103,426 homozygotes.

Submissions (12):

Labcorp Genetics (formerly Invitae), Labcorp
Classification: Benign for Primary ciliary dyskinesia. Last evaluated: 2026-02-04. Review status: criteria provided, single submitter. Criteria: Invitae Variant Classification Sherloc (09022015). Collection method: clinical testing. Allele origin: germline.

Blueprint Genetics
Classification: Likely benign. Last evaluated: 2024-11-26. Review status: criteria provided, single submitter. Criteria: ACMG Guidelines, 2015. Collection method: clinical testing. Allele origin: germline.

Genome-Nilou Lab
Classification: Benign for Primary ciliary dyskinesia 3. Last evaluated: 2021-07-30. Review status: criteria provided, single submitter. Criteria: ACMG Guidelines, 2015. Collection method: clinical testing. Allele origin: germline. Affected: no.

Pars Genome Lab
Classification: Benign for Primary ciliary dyskinesia 3. Last evaluated: 2021-06-15. Review status: criteria provided, single submitter. Criteria: ACMG Guidelines, 2015. Collection method: clinical testing. Allele origin: germline. Affected: no.

GeneDx
Classification: Benign. Last evaluated: 2018-11-10. Review status: criteria provided, single submitter. Criteria: GeneDx Variant Classification Process June 2021. Collection method: clinical testing. Allele origin: germline. Affected: yes.

Illumina Laboratory Services, Illumina
Classification: Benign for Primary ciliary dyskinesia 3. Last evaluated: 2018-01-12. Review status: criteria provided, single submitter. Criteria: ICSL Variant Classification Criteria 13 December 2019. Collection method: clinical testing. Allele origin: germline.
Comment: This variant was observed in the ICSL laboratory as part of a predisposition screen in an ostensibly healthy population. It had not been previously curated by ICSL or reported in the Human Gene Mutation Database (HGMD: prior to June 1st, 2018), and was therefore a candidate for classification through an automated scoring system. Utilizing variant allele frequency, disease prevalence and penetrance estimates, and inheritance mode, an automated score was calculated to assess if this variant is too frequent to cause the disease. Based on the score and internal cut-off values, a variant classified as benign is not then subjected to further curation. The score for this variant resulted in a classification of benign for this disease.

Eurofins Ntd Llc (ga)
Classification: Benign. Last evaluated: 2014-02-18. Review status: criteria provided, single submitter. Criteria: EGL Classification Definitions 2015. Collection method: clinical testing. Allele origin: germline. Observed: 2 variant alleles, 2 heterozygotes.

Laboratory for Molecular Medicine, Mass General Brigham Personalized Medicine
Classification: Benign. Last evaluated: 2013-02-21. Review status: criteria provided, single submitter. Criteria: LMM Criteria. Collection method: clinical testing. Allele origin: germline. Observed: 67 variant alleles.
Comment: 9721-12A>T in intron 57 of DNAH5: This variant is not expected to have clinical significance because it has been identified in 37.8% (3248/8600) of European Ame rican chromosomes from a broad population by the NHLBI Exome Sequencing Project (dbSNP rs12655133).

Breakthrough Genomics
Classification: Benign. Review status: criteria provided, single submitter. Criteria: ACMG Guidelines, 2015. Collection method: not provided. Allele origin: germline. Inheritance: Autosomal recessive inheritance. Affected: yes.

PreventionGenetics, part of Exact Sciences
Classification: Benign. Review status: criteria provided, single submitter. Criteria: ACMG Guidelines, 2015. Collection method: clinical testing. Allele origin: germline.

Clinical Genetics DNA and cytogenetics Diagnostics Lab, Erasmus MC, Erasmus Medical Center
Classification: Benign. Review status: no assertion criteria provided. Collection method: clinical testing. Allele origin: germline. Affected: yes. Study: VKGL Data-share Consensus. Not counted in ClinVar's aggregate classification.

Diagnostic Laboratory, Department of Genetics, University Medical Center Groningen
Classification: Benign. Review status: no assertion criteria provided. Collection method: clinical testing. Allele origin: germline. Affected: yes. Study: VKGL Data-share Consensus. Not counted in ClinVar's aggregate classification.

NM_001369.3(DNAH5):c.9721-12A>T

Gene: DNAH5 (dynein axonemal heavy chain 5; minus strand). Cytogenetic location: 5p15.2.
Variant type: single nucleotide variant.
Coding change: c.9721-12A>T on transcript NM_001369.3 (MANE Select); 12 bases into the intron before coding-DNA position 9721, A replaced by T.
Molecular consequence: intron variant.
Genome position (GRCh38, 1-based): chr5:13,769,148, T>A on the plus strand (A>T on the coding strand, the complement: DNAH5 is on the minus strand). VCF-style: chr5-13769148-T-A. GRCh37 (hg19) VCF-style: chr5-13769257-T-A.
Identifiers: ClinVar variation 167003 (VCV000167003.39), dbSNP rs12655133, ClinGen allele CA179979.